The following is an entry in ClinVar:

ClinVar aggregate classification (germline): Likely benign (1 of 4 stars; one submission).

Conditions:
RPS6KA3-related disorder. Also called: RPS6KA3-related condition.

gnomAD v4.1: 1 of 1,028,184 alleles (0.000097%); no homozygotes.

Submission:

PreventionGenetics, part of Exact Sciences
Classification: Likely benign for RPS6KA3-related condition. Last evaluated: 2025-08-20. Review status: criteria provided, single submitter. Criteria: ACMG Guidelines, 2015. Collection method: clinical testing. Allele origin: germline.
Comment: This variant is classified as likely benign based on ACMG/AMP sequence variant interpretation guidelines (Richards et al. 2015 PMID: 25741868, with internal and published modifications).

NM_004586.3(RPS6KA3):c.615T>A (p.Gly205=)

Gene: RPS6KA3 (ribosomal protein S6 kinase A3; minus strand). Cytogenetic location: Xp22.12.
Variant type: single nucleotide variant.
Coding change: c.615T>A on transcript NM_004586.3 (MANE Select); coding-DNA position 615, T replaced by A.
Protein change: p.Gly205=; no amino-acid change (glycine 205 retained).
Molecular consequence: synonymous variant.
Genome position (GRCh38, 1-based): chrX:20,188,513, A>T on the plus strand (T>A on the coding strand, the complement: RPS6KA3 is on the minus strand). VCF-style: chrX-20188513-A-T. GRCh37 (hg19) VCF-style: chrX-20206631-A-T.
Other names: c.531T>A, p.Gly177= (NM_001438340.1).
Identifiers: ClinVar variation 5000411 (VCV005000411.1).
Genomic context (GRCh38, chrX:20,188,513, plus strand): 5'-TTGTAGGAGAAAATATTTTAATAAAACGAGGATTTTTTTTTTACCTGTTAACTTGATGTG[A>T]CCTTCTTCATCAAGAAGTATACTGAAAAAAACAAAGAAAATCTTTTAAGAACACTAAATA-3'
Protein context (NP_004577.1, residues 195-215): KPENILLDEE[Gly205=]HIKLTDFGLS